The following is an entry in ClinVar:

ClinVar aggregate classification (germline): Likely benign (1 of 4 stars; one submission).

gnomAD v4.1: 3 of 1,538,920 alleles (0.00019%); highest among the groups gnomAD compares: Middle Eastern, 0.017%; no homozygotes.

Submission:

CeGaT Center for Human Genetics Tuebingen
Classification: Likely benign. Last evaluated: 2026-02-01. Review status: criteria provided, single submitter. Criteria: CeGaT Center For Human Genetics Tuebingen Variant Classification Criteria Version 2. Collection method: clinical testing. Allele origin: germline. Affected: yes. Observed: 1 variant allele.
Comment: KCNN2: BP4, BP7

NM_021614.4(KCNN2):c.603G>A (p.Ala201=)

Gene: KCNN2 (potassium calcium-activated channel subfamily N member 2; plus strand). Cytogenetic location: 5q22.3.
Variant type: single nucleotide variant.
Coding change: c.603G>A on transcript NM_021614.4 (MANE Select); coding-DNA position 603, G replaced by A.
Protein change: p.Ala201=; no amino-acid change (alanine 201 retained).
Molecular consequence: synonymous variant. On other transcripts: non-coding transcript variant (1).
Genome position (GRCh38, 1-based): chr5:114,362,742, G>A. VCF-style: chr5-114362742-G-A. GRCh37 (hg19) VCF-style: chr5-113698439-G-A.
Other names: c.801G>A, p.Ala267= (NM_001372233.1).
Identifiers: ClinVar variation 4822273 (VCV004822273.4).